The following is an entry in ClinVar:

NM_001064.4(TKT):c.639C>T (p.Ala213=)

Gene: TKT (transketolase; minus strand). Cytogenetic location: 3p21.1.
Variant type: single nucleotide variant.
Coding change: c.639C>T on transcript NM_001064.4 (MANE Select); coding-DNA position 639, C replaced by T.
Protein change: p.Ala213=; no amino-acid change (alanine 213 retained).
Molecular consequence: synonymous variant. On other transcripts: non-coding transcript variant (1).
Genome position (GRCh38, 1-based): chr3:53,233,265, G>A on the plus strand (C>T on the coding strand, the complement: TKT is on the minus strand). VCF-style: chr3-53233265-G-A. GRCh37 (hg19) VCF-style: chr3-53267281-G-A.
Other names: c.639C>T, p.Ala213= (NM_001135055.3); c.663C>T, p.Ala221= (NM_001258028.2).
Identifiers: ClinVar variation 3058283 (VCV003058283.2), dbSNP rs142470919, ClinGen allele CA2452794.

ClinVar aggregate classification (germline): Likely benign (0 of 4 stars; one submission).

Conditions:
TKT-related disorder. Also called: TKT-related condition.

Allele frequency attached by ClinVar (database versions not stated): gnomAD exomes 0.00004; ExAC 0.00013; 1000 Genomes Project 0.00100; 1000 Genomes Project 30x 0.00109; gnomAD 0.00030; TOPMed 0.00030; ESP Exome Variant Server 0.00046.

Submission:

PreventionGenetics, part of Exact Sciences
Classification: Likely benign for TKT-related condition. Last evaluated: 2019-03-26. Review status: no assertion criteria provided. Collection method: clinical testing. Allele origin: germline.
Comment: This variant is classified as likely benign based on ACMG/AMP sequence variant interpretation guidelines (Richards et al. 2015 PMID: 25741868, with internal and published modifications).